The following is an entry in ClinVar:

NM_053025.4(MYLK):c.2769G>A (p.Met923Ile)

Gene: MYLK (myosin light chain kinase; minus strand). Cytogenetic location: 3q21.1.
Variant type: single nucleotide variant.
Coding change: c.2769G>A on transcript NM_053025.4 (MANE Select); coding-DNA position 2769, G replaced by A.
Protein change: p.Met923Ile; replaces methionine 923 with isoleucine.
Molecular consequence: missense variant.
Genome position (GRCh38, 1-based): chr3:123,700,699, C>T on the plus strand (G>A on the coding strand, the complement: MYLK is on the minus strand). VCF-style: chr3-123700699-C-T. GRCh37 (hg19) VCF-style: chr3-123419546-C-T.
Other names: c.2241G>A, p.Met747Ile (NM_001321309.2); c.2562G>A, p.Met854Ile (NM_053026.4, NM_053028.4); c.2769G>A, p.Met923Ile (NM_053027.4); short protein forms M747I, M854I, M923I.
Identifiers: ClinVar variation 1003216 (VCV001003216.8), dbSNP rs2061162156, ClinGen allele CA354231450.

ClinVar aggregate classification (germline): Uncertain significance (1 of 4 stars; one submission).

Conditions:
Aortic aneurysm, familial thoracic 7 (AAT7). Also called: AORTIC DISSECTION, FAMILIAL, WITH OR WITHOUT AORTIC ANEURYSM. Identifiers: MedGen C3151077, MONDO:0013418, OMIM 613780.

Submission:

Labcorp Genetics (formerly Invitae), Labcorp
Classification: Uncertain significance for Aortic aneurysm, familial thoracic 7. Last evaluated: 2025-01-16. Review status: criteria provided, single submitter. Criteria: Invitae Variant Classification Sherloc (09022015). Collection method: clinical testing. Allele origin: germline.
Comment: This sequence change replaces methionine, which is neutral and non-polar, with isoleucine, which is neutral and non-polar, at codon 923 of the MYLK protein (p.Met923Ile). This variant is not present in population databases (gnomAD no frequency). This variant has not been reported in the literature in individuals affected with MYLK-related conditions. ClinVar contains an entry for this variant (Variation ID: 1003216). Invitae Evidence Modeling of protein sequence and biophysical properties (such as structural, functional, and spatial information, amino acid conservation, physicochemical variation, residue mobility, and thermodynamic stability) indicates that this missense variant is not expected to disrupt MYLK protein function with a negative predictive value of 80%. In summary, the available evidence is currently insufficient to determine the role of this variant in disease. Therefore, it has been classified as a Variant of Uncertain Significance.